The following is an entry in ClinVar:

NM_007194.4(CHEK2):c.1588G>A (p.Ala530Thr)

Gene: CHEK2 (checkpoint kinase 2; minus strand). Cytogenetic location: 22q12.1.
Variant type: single nucleotide variant.
Coding change: c.1588G>A on transcript NM_007194.4 (MANE Select); coding-DNA position 1588, G replaced by A.
Protein change: p.Ala530Thr; replaces alanine 530 with threonine.
Molecular consequence: missense variant.
Genome position (GRCh38, 1-based): chr22:28,687,941, C>T on the plus strand (G>A on the coding strand, the complement: CHEK2 is on the minus strand). VCF-style: chr22-28687941-C-T. GRCh37 (hg19) VCF-style: chr22-29083929-C-T.
Other names: c.1717G>A, p.Ala573Thr (NM_001005735.3); c.925G>A, p.Ala309Thr (NM_001257387.3); c.1387G>A, p.Ala463Thr (NM_001349956.3); c.1501G>A, p.Ala501Thr (NM_145862.3); short protein forms A530T, A463T, A501T, A573T, A309T.
Identifiers: ClinVar variation 483358 (VCV000483358.32), dbSNP rs1444665408, ClinGen allele CA411091194.
Genomic context (GRCh38, chr22:28,687,941, plus strand): 5'-GTTCAAACCACGGAGTTCACAACACAGCAGCACACACAGCTGGGCGCTTTGTGGTCTCGG[C>T]ACCCTCGGCTTCCCCTTCACGGGGCCGCTTTCGACTAGTAGAAGGCTGAAAATAAAGGAA-3'
Protein context (NP_009125.1, residues 520-540): KRPREGEAEG[Ala530Thr]ETTKRPAVCA

ClinVar aggregate classification (germline): Conflicting classifications of pathogenicity. Review status: criteria provided, conflicting classifications (1 of 4 stars). 7 submissions from 7 submitters: Uncertain significance (6); Likely benign (1). Last evaluated 2025-07-01.

Conditions:
Hereditary nonpolyposis colon cancer (HNPCC). Also called: Hereditary Nonpolyposis Colorectal Cancer Syndrome; Hereditary nonpolyposis colorectal cancer; Familial nonpolyposis colon cancer. Identifiers: Orphanet 443909, MedGen C1333990, MONDO:0018630. Disease mechanism: loss of function.
Familial cancer of breast. Also called: Hereditary breast cancer; hereditary breast carcinoma; BREAST CANCER, FAMILIAL. Identifiers: Orphanet 227535, MedGen C0346153, MONDO:0016419, OMIM 114480. Disease mechanism: loss of function.
Hereditary cancer-predisposing syndrome. Also called: Hereditary neoplastic syndrome; Tumor predisposition; Neoplastic Syndromes, Hereditary; Hereditary Cancer Syndrome. Identifiers: Orphanet 140162, MedGen C0027672, MeSH D009386, MONDO:0015356.

Allele frequency attached by ClinVar (database versions not stated): gnomAD exomes below 0.00001 and 0.00001.

Submissions (7):

CeGaT Center for Human Genetics Tuebingen
Classification: Uncertain significance. Last evaluated: 2025-07-01. Review status: criteria provided, single submitter. Criteria: CeGaT Center For Human Genetics Tuebingen Variant Classification Criteria Version 2. Collection method: clinical testing. Allele origin: germline. Affected: yes. Observed: 1 variant allele.
Comment: CHEK2: PM2, BP4

Labcorp Genetics (formerly Invitae), Labcorp
Classification: Uncertain significance for Familial cancer of breast. Last evaluated: 2025-04-01. Review status: criteria provided, single submitter. Criteria: Invitae Variant Classification Sherloc (09022015). Collection method: clinical testing. Allele origin: germline.
Comment: This sequence change replaces alanine, which is neutral and non-polar, with threonine, which is neutral and polar, at codon 530 of the CHEK2 protein (p.Ala530Thr). The frequency data for this variant in the population databases is considered unreliable, as metrics indicate poor data quality at this position in the gnomAD database. This variant has not been reported in the literature in individuals affected with CHEK2-related conditions. ClinVar contains an entry for this variant (Variation ID: 483358). An algorithm developed to predict the effect of missense changes on protein structure and function outputs the following: PolyPhen-2: "Benign". The threonine amino acid residue is found in multiple mammalian species, which suggests that this missense change does not adversely affect protein function. In summary, the available evidence is currently insufficient to determine the role of this variant in disease. Therefore, it has been classified as a Variant of Uncertain Significance.

Ambry Genetics
Classification: Likely benign for Hereditary cancer-predisposing syndrome. Last evaluated: 2024-10-17. Review status: criteria provided, single submitter. Criteria: Ambry Variant Classification Scheme 2023. Collection method: clinical testing. Allele origin: germline.

Quest Diagnostics Nichols Institute San Juan Capistrano
Classification: Uncertain significance. Last evaluated: 2024-07-30. Review status: criteria provided, single submitter. Criteria: Quest Diagnostics criteria. Collection method: clinical testing. Allele origin: unknown.
Comment: The CHEK2 c.1588G>A (p.Ala530Thr) variant has not been reported in individuals with CHEK2-related conditions in the published literature. The frequency of this variant in the general population, 0.0000043 (1/233670 chromosomes (Genome Aggregation Database)), is uninformative in the assessment of its pathogenicity. Analysis of this variant using bioinformatics tools for the prediction of the effect of amino acid changes on protein structure and function yielded predictions that this variant is benign. Based on the available information, we are unable to determine the clinical significance of this variant.

Color Diagnostics, LLC DBA Color Health
Classification: Uncertain significance for Hereditary cancer-predisposing syndrome. Last evaluated: 2023-12-05. Review status: criteria provided, single submitter. Criteria: ACMG Guidelines, 2015. Collection method: clinical testing. Allele origin: germline.
Comment: This missense variant replaces alanine with threonine at codon 530 of the CHEK2 protein. Computational prediction suggests that this variant may not impact protein structure and function (internally defined REVEL score threshold <= 0.5, PMID: 27666373). To our knowledge, functional studies have not been reported for this variant. This variant has not been reported in individuals affected with CHEK2-related disorders in the literature. This variant has not been identified in the general population by the Genome Aggregation Database (gnomAD). The available evidence is insufficient to determine the role of this variant in disease conclusively. Therefore, this variant is classified as a Variant of Uncertain Significance.

GeneDx
Classification: Uncertain significance. Last evaluated: 2023-10-04. Review status: criteria provided, single submitter. Criteria: GeneDx Variant Classification Process June 2021. Collection method: clinical testing. Allele origin: germline. Affected: yes.
Comment: Not observed at significant frequency in large population cohorts (gnomAD); In silico analysis supports that this missense variant does not alter protein structure/function; Has not been previously published as pathogenic or benign to our knowledge

Department of Pathology and Laboratory Medicine, Sinai Health System
Classification: Uncertain significance for hereditary nonpolyposis colon cancer. Last evaluated: 2022-06-16. Review status: criteria provided, single submitter. Criteria: ACMG Guidelines, 2015. Collection method: clinical testing. Allele origin: germline. Affected: no.